The following is an entry in ClinVar:

NM_000535.7(PMS2):c.1219A>G (p.Arg407Gly)

Gene: PMS2 (PMS1 homolog 2, mismatch repair system component; minus strand). Cytogenetic location: 7p22.1.
Variant type: single nucleotide variant.
Coding change: c.1219A>G on transcript NM_000535.7 (MANE Select); coding-DNA position 1219, A replaced by G.
Protein change: p.Arg407Gly; replaces arginine 407 with glycine.
Molecular consequence: missense variant. On other transcripts: non-coding transcript variant (1).
Genome position (GRCh38, 1-based): chr7:5,987,546, T>C on the plus strand (A>G on the coding strand, the complement: PMS2 is on the minus strand). VCF-style: chr7-5987546-T-C. GRCh37 (hg19) VCF-style: chr7-6027177-T-C.
Other names: c.814A>G, p.Arg272Gly (NM_001322003.2, NM_001322004.2, NM_001322005.2 and 1 more transcripts); c.1063A>G, p.Arg355Gly (NM_001322006.2); c.901A>G, p.Arg301Gly (NM_001322007.2, NM_001322008.2); c.658A>G, p.Arg220Gly (NM_001322010.2); c.286A>G, p.Arg96Gly (NM_001322011.2, NM_001322012.2); c.646A>G, p.Arg216Gly (NM_001322013.2); c.1219A>G, p.Arg407Gly (NM_001322014.2); c.910A>G, p.Arg304Gly (NM_001322015.2); short protein forms R407G, R216G, R304G, R355G, R220G, R96G, R272G, R301G.
Identifiers: ClinVar variation 455645 (VCV000455645.21), dbSNP rs776725795, ClinGen allele CA042611.
Genomic context (GRCh38, chr7:5,987,546, plus strand): 5'-GAAGAGAAAAGGCCTCTCGCAGTCTGGAAATGGACACGTCTTTTTTTTCTTCTCCAGTCC[T>C]TAATGAAGGGGATTGATCCTGCTTTTCTACCATGGGCTTTTCCAAATCCGCTGCATGCAT-3'
Protein context (NP_000526.2, residues 397-417): VEKQDQSPSL[Arg407Gly]TGEEKKDVSI

ClinVar aggregate classification (germline): Conflicting classifications of pathogenicity. Review status: criteria provided, conflicting classifications (1 of 4 stars). 5 submissions from 5 submitters: Uncertain significance (4); Likely benign (1). Last evaluated 2025-07-21.

Conditions:
Hereditary cancer-predisposing syndrome. Also called: Hereditary Cancer Syndrome; Hereditary neoplastic syndrome; Neoplastic Syndromes, Hereditary; Tumor predisposition. Identifiers: Orphanet 140162, MedGen C0027672, MeSH D009386, MONDO:0015356.
Hereditary nonpolyposis colorectal neoplasms. Identifiers: MedGen C0009405, MeSH D003123.
Lynch syndrome. Identifiers: Orphanet 144, MedGen C4552100, MONDO:0005835. Disease mechanism: loss of function.
Lynch syndrome 4 (LYNCH4). Also called: Colorectal cancer, hereditary nonpolyposis, type 4; Hereditary non-polyposis colorectal cancer, type 4. Identifiers: Orphanet 144, MedGen C1838333, MONDO:0013699, OMIM 614337. Disease mechanism: loss of function.

Allele frequency attached by ClinVar (database versions not stated): gnomAD exomes below 0.00001; ExAC 0.00001.
gnomAD v4.1: 1 of 1,614,080 alleles (0.000062%); highest among the groups gnomAD compares: Admixed American, 0.0017%; no homozygotes.

Submissions (5):

Labcorp Genetics (formerly Invitae), Labcorp
Classification: Uncertain significance for Hereditary nonpolyposis colorectal neoplasms. Last evaluated: 2025-07-21. Review status: criteria provided, single submitter. Criteria: Invitae Variant Classification Sherloc (09022015). Collection method: clinical testing. Allele origin: germline.
Comment: This sequence change replaces arginine, which is basic and polar, with glycine, which is neutral and non-polar, at codon 407 of the PMS2 protein (p.Arg407Gly). This variant is present in population databases (rs776725795, gnomAD 0.003%). This missense change has been observed in individual(s) with breast and/or ovarian cancer (PMID: 35451682). ClinVar contains an entry for this variant (Variation ID: 455645). Invitae Evidence Modeling incorporating data from in vitro experimental studies (internal data) indicates that this missense variant is not expected to disrupt PMS2 function with a negative predictive value of 95%. In summary, the available evidence is currently insufficient to determine the role of this variant in disease. Therefore, it has been classified as a Variant of Uncertain Significance.

Color Diagnostics, LLC DBA Color Health
Classification: Uncertain significance for Hereditary cancer-predisposing syndrome. Last evaluated: 2024-03-06. Review status: criteria provided, single submitter. Criteria: ACMG Guidelines, 2015. Collection method: clinical testing. Allele origin: germline.
Comment: This missense variant replaces arginine with glycine at codon 407 of the PMS2 protein. Computational prediction suggests that this variant may not impact protein structure and function (internally defined REVEL score threshold <= 0.5, PMID: 27666373). To our knowledge, functional studies have not been reported for this variant. This variant has not been reported in individuals affected with hereditary cancer in the literature. This variant has been identified in 1/250172 chromosomes in the general population by the Genome Aggregation Database (gnomAD). The available evidence is insufficient to determine the role of this variant in disease conclusively. Therefore, this variant is classified as a Variant of Uncertain Significance.

Ambry Genetics
Classification: Likely benign for Hereditary cancer-predisposing syndrome. Last evaluated: 2023-11-16. Review status: criteria provided, single submitter. Criteria: Ambry Variant Classification Scheme 2023. Collection method: clinical testing. Allele origin: germline.

All of Us Research Program, National Institutes of Health
Classification: Uncertain significance for Lynch syndrome. Last evaluated: 2023-08-15. Review status: criteria provided, single submitter. Criteria: ACMG Guidelines, 2015. Collection method: clinical testing. Allele origin: germline. Inheritance: Autosomal dominant inheritance. Observed: 1 variant allele, 1 heterozygote.
Comment: This missense variant replaces arginine with glycine at codon 407 of the PMS2 protein. Computational prediction suggests that this variant may not impact protein structure and function (internally defined REVEL score threshold <= 0.5, PMID: 27666373). To our knowledge, functional studies have not been reported for this variant. This variant has not been reported in individuals affected with hereditary cancer in the literature. This variant has been identified in 1/250172 chromosomes in the general population by the Genome Aggregation Database (gnomAD). The available evidence is insufficient to determine the role of this variant in disease conclusively. Therefore, this variant is classified as a Variant of Uncertain Significance.

This study involves interpretation of variants in research participants for the purpose of population health screening. Participant phenotype was not available at the time of variant classification. Additional details can be found in publication PMID: 35346344, PMCID: PMC8962531

Mendelics
Classification: Uncertain significance for Lynch syndrome 4. Last evaluated: 2019-05-28. Review status: criteria provided, single submitter. Criteria: Mendelics Assertion Criteria 2017. Collection method: clinical testing. Allele origin: unknown.

Literature cited by the submitters: PubMed 35451682 (cited by Labcorp Genetics (formerly Invitae), Labcorp).